The following is an entry in ClinVar:

ClinVar aggregate classification (germline): Uncertain significance (1 of 4 stars; one submission).

Submission:

Labcorp Genetics (formerly Invitae), Labcorp
Classification: Uncertain significance. Last evaluated: 2022-08-23. Review status: criteria provided, single submitter. Criteria: Invitae Variant Classification Sherloc (09022015). Collection method: clinical testing. Allele origin: germline.
Comment: This variant is not present in population databases (gnomAD no frequency). In summary, the available evidence is currently insufficient to determine the role of this variant in disease. Therefore, it has been classified as a Variant of Uncertain Significance. Algorithms developed to predict the effect of missense changes on protein structure and function are either unavailable or do not agree on the potential impact of this missense change (SIFT: "Deleterious"; PolyPhen-2: "Probably Damaging"; Align-GVGD: "Class C0"). ClinVar contains an entry for this variant (Variation ID: 1522534). This variant has not been reported in the literature in individuals affected with SON-related conditions. This sequence change replaces serine, which is neutral and polar, with proline, which is neutral and non-polar, at codon 1008 of the SON protein (p.Ser1008Pro).

NM_138927.4(SON):c.3022T>C (p.Ser1008Pro)

Gene: SON (SON DNA and RNA binding protein; plus strand). Cytogenetic location: 21q22.11.
Variant type: single nucleotide variant.
Coding change: c.3022T>C on transcript NM_138927.4 (MANE Select); coding-DNA position 3022, T replaced by C.
Protein change: p.Ser1008Pro; replaces serine 1008 with proline.
Molecular consequence: missense variant. On other transcripts: non-coding transcript variant (1), intron variant (1).
Genome position (GRCh38, 1-based): chr21:33,552,253, T>C. VCF-style: chr21-33552253-T-C. GRCh37 (hg19) VCF-style: chr21-34924559-T-C.
Other names: c.3022T>C, p.Ser1008Pro (NM_001291411.2, NM_032195.3); c.245-4903T>C (NM_001291412.3); short protein forms S1008P.
Identifiers: ClinVar variation 1522534 (VCV001522534.8), dbSNP rs2145826636, ClinGen allele CA410159274.
Genomic context (GRCh38, chr21:33,552,253, plus strand): 5'-CCTAGACCCCTGATGTTAGCATCTAGACGTTCTATGATGATGTCCTATGCTGCAGAACGT[T>C]CCATGATGTCATCTTACGAACGCTCTATGATGTCTTATGAGCGGTCTATGATGTCCCCTA-3'
Protein context (NP_620305.3, residues 998-1018): SMMMSYAAER[Ser1008Pro]MMSSYERSMM